The following is an entry in ClinVar:

NM_007294.4(BRCA1):c.5407-73_5467+4del

Gene: BRCA1 (BRCA1 DNA repair associated; minus strand). Cytogenetic location: 17q21.31.
Variant type: Deletion.
Coding change: c.5407-73_5467+4del on transcript NM_007294.4 (MANE Select); 73 bases into the intron before coding-DNA position 5407 through 4 bases into the intron after coding-DNA position 5467, 138 bases deleted.
Molecular consequence: splice acceptor variant, splice donor variant.
Genome position (GRCh38, 1-based): chr17:43,047,639-43,047,776, 138 bases deleted. GRCh37 (hg19): chr17:41,199,658-41,199,795.
Other names: c.5275-73_5335+4del (NM_001407690.1, NM_001407691.1); c.5278-73_5338+4del (NM_001407687.1, NM_001407683.1, NM_001407684.1 and 6 more transcripts); c.5204-73_5264+4del (NM_001407941.1); c.5281-73_5341+4del (NM_001407673.1, NM_001407674.1, NM_001407677.1 and 8 more transcripts); c.2092-73_2152+4del (NM_001408400.1, NM_001408392.1, NM_001408397.1 and 7 more transcripts); c.2095-73_2155+4del (NM_001407986.1, NM_001407979.1, NM_001407982.1 and 10 more transcripts); c.2161-73_2221+4del (NM_001407972.1); c.5401-73_5461+4del (NM_001407630.1, NM_001407633.1, NM_001407642.1 and 13 more transcripts); and 83 more.
Identifiers: ClinVar variation 1049017 (VCV001049017.2), dbSNP rs2152762741, ClinGen allele CA2499224348.

ClinVar aggregate classification (germline): Pathogenic (0 of 4 stars; one submission).

Conditions:
Malignant tumor of breast. Also called: Malignant breast neoplasm; Cancer breast. Identifiers: MedGen C0006142, MONDO:0007254. Disease mechanism: loss of function.

Submission:

Department of Pathology and Laboratory Medicine, Sinai Health System
Classification: Pathogenic for Malignant tumor of breast. Review status: no assertion criteria provided. Collection method: clinical testing. Allele origin: unknown. Affected: yes. Study: The Canadian Open Genetics Repository (COGR).
Comment: The BRCA1 c.5333_5467del variant (chr:17 g.41199660_41201211del GRCh37) results in in-frame deletion of exons 22-23, although the precise breakpoints of this deletion were not determined, nor were the effects of this variant on the resulting mRNA or protein product determined. The BRCA1 c.5333_5467del variant was not identified in the literature nor was it identified in the dbSNP, ClinVar, LOVD 3.0, UMD-LSDB, the Exome Aggregation Consortium (August 8th 2016), or the Genome Aggregation Database (Feb 27, 2017). The predicted protein consequence of this variant is p.Asp1778_His1822del and we cannot rule out the possibility this variant produces a truncated functional protein product; however, this is the type of variant expected to cause the disorder. In summary, based on the above information this variant is classified as pathogenic.